The following is an entry in ClinVar:

ClinVar aggregate classification (germline): Uncertain significance (1 of 4 stars; one submission).

Allele frequency attached by ClinVar (database versions not stated): gnomAD exomes below 0.00001; TOPMed 0.00001.

Submission:

Labcorp Genetics (formerly Invitae), Labcorp
Classification: Uncertain significance. Last evaluated: 2025-07-10. Review status: criteria provided, single submitter. Criteria: Invitae Variant Classification Sherloc (09022015). Collection method: clinical testing. Allele origin: germline.
Comment: This sequence change replaces asparagine, which is neutral and polar, with serine, which is neutral and polar, at codon 12 of the STAG2 protein (p.Asn12Ser). This variant is not present in population databases (gnomAD no frequency). This variant has not been reported in the literature in individuals affected with STAG2-related conditions. ClinVar contains an entry for this variant (Variation ID: 1915600). An algorithm developed to predict the effect of missense changes on protein structure and function (PolyPhen-2) suggests that this variant is likely to be tolerated. In summary, the available evidence is currently insufficient to determine the role of this variant in disease. Therefore, it has been classified as a Variant of Uncertain Significance.

NM_001042750.2(STAG2):c.35A>G (p.Asn12Ser)

Gene: STAG2 (STAG2 cohesin complex component; plus strand). Cytogenetic location: Xq25.
Variant type: single nucleotide variant.
Coding change: c.35A>G on transcript NM_001042750.2 (MANE Select); coding-DNA position 35, A replaced by G.
Protein change: p.Asn12Ser; replaces asparagine 12 with serine.
Molecular consequence: missense variant.
Genome position (GRCh38, 1-based): chrX:124,022,662, A>G. VCF-style: chrX-124022662-A-G. GRCh37 (hg19) VCF-style: chrX-123156512-A-G.
Other names: c.35A>G, p.Asn12Ser (NM_001042749.2, NM_001042751.2, NM_001282418.2 and 13 more transcripts); short protein forms N12S.
Identifiers: ClinVar variation 1915600 (VCV001915600.5), dbSNP rs899950130, ClinGen allele CA335276268.
Genomic context (GRCh38, chrX:124,022,662, plus strand): 5'-GAGGTGTTCCAGAAGATGATAAAGAAATGATAGCAGCTCCAGAAATACCAACTGATTTTA[A>G]TCTACTACAGTAAGTAAATTATATTCTGATAATTTTTAAATACTTGTTTATTCCACAAAA-3'
Protein context (NP_001036215.1, residues 2-22): IAAPEIPTDF[Asn12Ser]LLQESETHFS